The following is an entry in ClinVar:

ClinVar aggregate classification (germline): Uncertain significance (1 of 4 stars; one submission).

gnomAD v4.1: 11 of 1,613,996 alleles (0.00068%); highest among the groups gnomAD compares: Admixed American, 0.012%; no homozygotes.

Submission:

Women's Health and Genetics/Laboratory Corporation of America, LabCorp
Classification: Uncertain significance. Last evaluated: 2025-07-15. Review status: criteria provided, single submitter. Criteria: LabCorp Variant Classification Summary - May 2015. Collection method: clinical testing. Allele origin: germline.
Comment: Variant summary: DMXL2 c.2860C>A (p.Pro954Thr) results in a non-conservative amino acid change in the encoded protein sequence. Algorithms developed to predict the effect of missense changes on protein structure and function are either unavailable or do not agree on the potential impact of this missense change. The variant allele was found at a frequency of 2.8e-05 in 251426 control chromosomes. The available data on variant occurrences in the general population are insufficient to allow any conclusion about variant significance. To our knowledge, no occurrence of c.2860C>A in individuals affected with DMXL2-Related Disorders and no experimental evidence demonstrating its impact on protein function have been reported. No submitters have cited clinical-significance assessments for this variant to ClinVar. Based on the evidence outlined above, the variant was classified as uncertain significance.

NM_001378457.1(DMXL2):c.2860C>A (p.Pro954Thr)

Gene: DMXL2 (Dmx like 2; minus strand). Cytogenetic location: 15q21.2.
Variant type: single nucleotide variant.
Coding change: c.2860C>A on transcript NM_001378457.1 (MANE Select); coding-DNA position 2860, C replaced by A.
Protein change: p.Pro954Thr; replaces proline 954 with threonine.
Molecular consequence: missense variant. On other transcripts: non-coding transcript variant (2), intron variant (2).
Genome position (GRCh38, 1-based): chr15:51,502,938, G>T on the plus strand (C>A on the coding strand, the complement: DMXL2 is on the minus strand). VCF-style: chr15-51502938-G-T. GRCh37 (hg19) VCF-style: chr15-51795135-G-T.
Other names: c.2860C>A, p.Pro954Thr (NM_001174116.3, NM_001378458.1, NM_001378459.1 and 4 more transcripts); c.2620C>A, p.Pro874Thr (NM_001378464.1); c.2764+4196C>A (NM_001378460.1, NM_001174117.3); short protein forms P874T, P954T.
Identifiers: ClinVar variation 4525883 (VCV004525883.1).